The following is an entry in ClinVar:

NM_004036.5(ADCY3):c.1544A>G (p.Asn515Ser)

Gene: ADCY3 (adenylate cyclase 3; minus strand). Cytogenetic location: 2p23.3.
Variant type: single nucleotide variant.
Coding change: c.1544A>G on transcript NM_004036.5 (MANE Select); coding-DNA position 1544, A replaced by G.
Protein change: p.Asn515Ser; replaces asparagine 515 with serine.
Molecular consequence: missense variant.
Genome position (GRCh38, 1-based): chr2:24,837,035, T>C on the plus strand (A>G on the coding strand, the complement: ADCY3 is on the minus strand). VCF-style: chr2-24837035-T-C. GRCh37 (hg19) VCF-style: chr2-25059904-T-C.
Other names: c.1544A>G, p.Asn515Ser (NM_001320613.2, NM_001377129.1, NM_001377130.1 and 1 more transcripts); c.1610A>G, p.Asn537Ser (NM_001377128.1); c.821A>G, p.Asn274Ser (NM_001377131.1); c.1544A>G (NM_001320613.1); short protein forms N537S, N274S, N515S.
Identifiers: ClinVar variation 3833221 (VCV003833221.2).

ClinVar aggregate classification (germline): Uncertain significance. Review status: criteria provided, multiple submitters, no conflicts (2 of 4 stars). 2 submissions from 2 submitters: Uncertain significance (2). Last evaluated 2025-06-23.

Conditions:
ADCY3-related disorder. Also called: ADCY3-related condition.
Inborn genetic diseases. Identifiers: MedGen C0950123, MeSH D030342.

gnomAD v4.1: 20 of 1,613,852 alleles (0.0012%); highest among the groups gnomAD compares: Admixed American, 0.0083%; no homozygotes.

Submissions (2):

PreventionGenetics, part of Exact Sciences
Classification: Uncertain significance for ADCY3-related condition. Last evaluated: 2025-06-23. Review status: criteria provided, single submitter. Criteria: ACMG Guidelines, 2015. Collection method: clinical testing. Allele origin: germline.
Comment: The ADCY3 c.1544A>G variant is predicted to result in the amino acid substitution p.Asn515Ser. To our knowledge, this variant has not been reported in the literature. This variant is reported in 0.011% of alleles in individuals of East Asian descent in gnomAD. At this time, the clinical significance of this variant is uncertain due to the absence of conclusive functional and genetic evidence.

Ambry Genetics
Classification: Uncertain significance for Inborn genetic diseases. Last evaluated: 2025-02-22. Review status: criteria provided, single submitter. Criteria: Ambry Variant Classification Scheme 2023. Collection method: clinical testing. Allele origin: germline.